The following is an entry in ClinVar:

NM_138576.4(BCL11B):c.1415G>A (p.Arg472His)

Gene: BCL11B (BCL11 transcription factor B; minus strand). Cytogenetic location: 14q32.2.
Variant type: single nucleotide variant.
Coding change: c.1415G>A on transcript NM_138576.4 (MANE Select); coding-DNA position 1415, G replaced by A.
Protein change: p.Arg472His; replaces arginine 472 with histidine.
Molecular consequence: missense variant.
Genome position (GRCh38, 1-based): chr14:99,175,421, C>T on the plus strand (G>A on the coding strand, the complement: BCL11B is on the minus strand). VCF-style: chr14-99175421-C-T. GRCh37 (hg19) VCF-style: chr14-99641758-C-T.
Other names: c.1412G>A, p.Arg471His (NM_001282237.2); c.1199G>A, p.Arg400His (NM_001282238.2); c.1202G>A, p.Arg401His (NM_022898.3); short protein forms R401H, R472H, R400H, R471H.
Identifiers: ClinVar variation 2006263 (VCV002006263.4), dbSNP rs1231938148, ClinGen allele CA390935422.

ClinVar aggregate classification (germline): Uncertain significance (1 of 4 stars; one submission).

Submission:

Labcorp Genetics (formerly Invitae), Labcorp
Classification: Uncertain significance. Last evaluated: 2023-02-24. Review status: criteria provided, single submitter. Criteria: Invitae Variant Classification Sherloc (09022015). Collection method: clinical testing. Allele origin: germline.
Comment: This sequence change replaces arginine, which is basic and polar, with histidine, which is basic and polar, at codon 472 of the BCL11B protein (p.Arg472His). This variant is not present in population databases (gnomAD no frequency). This variant has not been reported in the literature in individuals affected with BCL11B-related conditions. ClinVar contains an entry for this variant (Variation ID: 2006263). Advanced modeling of protein sequence and biophysical properties (such as structural, functional, and spatial information, amino acid conservation, physicochemical variation, residue mobility, and thermodynamic stability) has been performed at Invitae for this missense variant, however the output from this modeling did not meet the statistical confidence thresholds required to predict the impact of this variant on BCL11B protein function. In summary, the available evidence is currently insufficient to determine the role of this variant in disease. Therefore, it has been classified as a Variant of Uncertain Significance.